The following is an entry in ClinVar:

ClinVar aggregate classification (germline): not provided (0 of 4 stars; one submission).

Conditions:
Familial long QT syndrome (RWS). Also called: Congenital long QT syndrome; Romano-Ward syndrome; VENTRICULAR FIBRILLATION WITH PROLONGED QT INTERVAL. Identifiers: Orphanet 768, MedGen C1141890, MONDO:0019171.

Submission:

Cardiovascular Biomedical Research Unit, Royal Brompton & Harefield NHS Foundation Trust
No classification provided. Condition: Familial long QT syndrome. Review status: no classification provided. Collection method: literature only. Allele origin: germline.
Comment: This variant has been reported as associated with Long QT syndrome in the following publications (PMID:19668779). This is a literature report, and does not necessarily reflect the clinical interpretation of the Imperial College / Royal Brompton Cardiovascular Genetics laboratory.

Literature cited by the submitters: PubMed 19668779; PubMed 22581653.

NM_000238.4(KCNH2):c.1478A>T (p.Tyr493Phe)

Gene: KCNH2 (potassium voltage-gated channel subfamily H member 2; minus strand). Cytogenetic location: 7q36.1.
Variant type: single nucleotide variant.
Coding change: c.1478A>T on transcript NM_000238.4 (MANE Select); coding-DNA position 1478, A replaced by T.
Protein change: p.Tyr493Phe; replaces tyrosine 493 with phenylalanine.
Molecular consequence: missense variant.
Genome position (GRCh38, 1-based): chr7:150,952,504, T>A on the plus strand (A>T on the coding strand, the complement: KCNH2 is on the minus strand). VCF-style: chr7-150952504-T-A. GRCh37 (hg19) VCF-style: chr7-150649592-T-A.
Other names: c.1478A>T (LRG_288t1); c.458A>T, p.Tyr153Phe (NM_001204798.2, NM_172057.3); c.1190A>T, p.Tyr397Phe (NM_001406753.1, NM_001406756.1); c.1301A>T, p.Tyr434Phe (NM_001406755.1); c.1178A>T, p.Tyr393Phe (NM_001406757.1); c.1478A>T, p.Tyr493Phe (NM_172056.3); short protein forms Y153F, Y493F, Y393F, Y434F, Y397F.
Identifiers: ClinVar variation 67207 (VCV000067207.3), dbSNP rs199472911, ClinGen allele CA004701.
Genomic context (GRCh38, chr7:150,952,504, plus strand): 5'-AAGATGAGCAGGTCGAAGGGGATGGCGGCCACCATGTCGATGAGGAACCAGCCCTTGAAG[T>A]AGTGGACGGCGATGCGGCCGGGGTGGCTGACCACCTCCTCGTTGGCATTGACGTAGGTGG-3'
Protein context (NP_000229.1, residues 483-503): VSHPGRIAVH[Tyr493Phe]FKGWFLIDMV